The following is an entry in ClinVar:

NM_001048174.2(MUTYH):c.460C>G (p.Arg154Gly)

Gene: MUTYH (mutY DNA glycosylase; minus strand). Cytogenetic location: 1p34.1.
Variant type: single nucleotide variant.
Coding change: c.460C>G on transcript NM_001048174.2 (MANE Select); coding-DNA position 460, C replaced by G.
Protein change: p.Arg154Gly; replaces arginine 154 with glycine.
Molecular consequence: missense variant. On other transcripts: non-coding transcript variant (2).
Genome position (GRCh38, 1-based): chr1:45,332,795, G>C on the plus strand (C>G on the coding strand, the complement: MUTYH is on the minus strand). VCF-style: chr1-45332795-G-C. GRCh37 (hg19) VCF-style: chr1-45798467-G-C.
Other names: c.460C>G, p.Arg154Gly (NM_001048171.2, NM_001048173.2, NM_001293195.2); c.463C>G, p.Arg155Gly (NM_001048172.2); c.544C>G, p.Arg182Gly (NM_001128425.2); c.505C>G, p.Arg169Gly (NM_001293190.2); c.493C>G, p.Arg165Gly (NM_001293191.2); c.184C>G, p.Arg62Gly (NM_001293192.2, NM_001293196.2); c.115C>G, p.Arg39Gly (NM_001350650.2, NM_001350651.2); c.535C>G, p.Arg179Gly (NM_012222.3); short protein forms R155G, R169G, R179G, R39G, R62G, R182G, R154G, R165G.
Identifiers: ClinVar variation 940199 (VCV000940199.15), dbSNP rs747993448, ClinGen allele CA340135674.

ClinVar aggregate classification (germline): Conflicting classifications of pathogenicity. Review status: criteria provided, conflicting classifications (1 of 4 stars). 5 submissions from 5 submitters: Pathogenic (1); Likely pathogenic (2); Uncertain significance (2). Last evaluated 2025-11-10.

Conditions:
Familial adenomatous polyposis 2. Also called: Adenomas, multiple colorectal; MUTYH Polyposis; COLORECTAL ADENOMATOUS POLYPOSIS, AUTOSOMAL RECESSIVE; ADENOMAS, MULTIPLE COLORECTAL, AUTOSOMAL RECESSIVE; MUTYH-associated polyposis; MUTYH-related attenuated familial adenomatous polyposis. Identifiers: Orphanet 220460, Orphanet 247798, MedGen C3272841, MONDO:0012041, OMIM 608456.
Hereditary cancer-predisposing syndrome. Also called: Neoplastic Syndromes, Hereditary; Tumor predisposition; Hereditary Cancer Syndrome; Hereditary neoplastic syndrome. Identifiers: Orphanet 140162, MedGen C0027672, MeSH D009386, MONDO:0015356.

Submissions (5):

Ambry Genetics
Classification: Pathogenic for Hereditary cancer-predisposing syndrome. Last evaluated: 2025-11-10. Review status: criteria provided, single submitter. Criteria: Ambry Variant Classification Scheme 2023. Collection method: clinical testing. Allele origin: germline.
Comment: The p.R182G pathogenic mutation (also known as c.544C>G), located in coding exon 7 of the MUTYH gene, results from a C to G substitution at nucleotide position 544. The arginine at codon 182 is replaced by glycine, an amino acid with dissimilar properties. This variant has been identified in the homozygous state in an individual with features consistent with MUTYH-associated polyposis (Tricarico R et al. BMC Cancer, 2011 Jul;11:305). Other variants at the same codon, p.R182H (c.545G>A) and p.R182L (c.545G>T), have been identified in individuals with features consistent with MUTYH-associated polyposis (Isidro et al. Hum Mutat 2004 Oct; 24(4):353-4; Di Gregorio et al. Gastroenterology 2006 Aug; 131(2):439-44; Aretz et al. Int J Cancer 2006 Aug 15;119(4): 807-14; Jones N et al. Gastroenterology. 2009 Aug;137(2):489-94, 494.e1; Morak M et al. Clin Genet. 2010 Oct;78(4):353-63; Ambry internal data). In a massively parallel cell-based functional assay testing 7,8-dihydro-8-oxoguanine:adenine (8OG:A) repair activity, a byproduct of oxidative damage, this variant was reported to be non-functional (Hemker SL et al. Am J Hum Genet. 2025 Sep;112(9):2010-2026). This variant is considered to be rare based on population cohorts in the Genome Aggregation Database (gnomAD). This amino acid position is highly conserved in available vertebrate species. In addition, this alteration is predicted to be deleterious by in silico analysis. Based on the supporting evidence, this variant is interpreted as a disease-causing mutation.

Myriad Genetics, Inc.
Classification: Likely pathogenic for Familial adenomatous polyposis 2. Last evaluated: 2025-02-24. Review status: criteria provided, single submitter. Criteria: Myriad Autosomal Dominant, Autosomal Recessive and X-Linked Classification Criteria (2023). Collection method: clinical testing. Allele origin: unknown.
Comment: This variant is considered likely pathogenic. This variant has been reported in multiple individuals with clinical features of gene-specific disease [PMID: 21777424, 15236166, 34704405]. This variant is expected to disrupt protein structure [Myriad internal data].

Labcorp Genetics (formerly Invitae), Labcorp
Classification: Uncertain significance for Familial adenomatous polyposis 2. Last evaluated: 2024-03-07. Review status: criteria provided, single submitter. Criteria: Invitae Variant Classification Sherloc (09022015). Collection method: clinical testing. Allele origin: germline.
Comment: This sequence change replaces arginine, which is basic and polar, with glycine, which is neutral and non-polar, at codon 182 of the MUTYH protein (p.Arg182Gly). This variant is not present in population databases (gnomAD no frequency). This missense change has been observed in individual(s) with polyposis (PMID: 21777424). ClinVar contains an entry for this variant (Variation ID: 940199). An algorithm developed to predict the effect of missense changes on protein structure and function (PolyPhen-2) suggests that this variant is likely to be disruptive. This variant disrupts the p.Arg182 amino acid residue in MUTYH. Other variant(s) that disrupt this residue have been determined to be pathogenic (PMID: 15366000, 16557584, 19032956, 19394335, 20618354). This suggests that this residue is clinically significant, and that variants that disrupt this residue are likely to be disease-causing. In summary, the available evidence is currently insufficient to determine the role of this variant in disease. Therefore, it has been classified as a Variant of Uncertain Significance.

Baylor Genetics
Classification: Uncertain significance for Familial adenomatous polyposis 2. Last evaluated: 2023-11-03. Review status: criteria provided, single submitter. Criteria: ACMG Guidelines, 2015. Collection method: clinical testing. Allele origin: unknown.

Color Diagnostics, LLC DBA Color Health
Classification: Likely pathogenic for Hereditary cancer-predisposing syndrome. Last evaluated: 2020-05-26. Review status: criteria provided, single submitter. Criteria: ACMG Guidelines, 2015. Collection method: clinical testing. Allele origin: germline.
Comment: This missense variant replaces arginine with glycine at codon 182 of the MUTYH protein. This variant is also known as c.502C>G (p.Arg168Gly) based on an alternative transcript, NM_001048171. Computational prediction suggests that this variant may have deleterious impact on protein structure and function (internally defined REVEL score threshold >= 0.7, PMID: 27666373). To our knowledge, functional studies have not been reported for this variant. However, two other missense variants at this codon have been reported as loss-of-function in mutation suppressive activity and in vitro glycosylase activity assays (PMID: 20848659, 23322991). This variant has been reported in homozygosity in an individual affected with colorectal cancer or polyposis (PMID: 21777424). Two different missense variants at the same codon, p.Arg182Cys and p.Arg182His, are reported as disease-causing in ClinVar (variation ID: 182689, 187280). These two other missense variants have been reported in heterozygosity with a second pathogenic MUTYH variant in individuals affected with MUTYH-associated polyposis and/or colorectal cancer (PMID: 15366000, 16207212, 16557584, 16890597, 19394335, 20618354). This variant has not been identified in the general population by the Genome Aggregation Database (gnomAD). Based on the available evidence, this variant is classified as Likely Pathogenic.

Literature cited by the submitters: PubMed 21777424 (cited by 3 submitters); PubMed 40738107 (cited by Ambry Genetics); PubMed 15236166 (cited by Myriad Genetics, Inc.); PubMed 34704405 (cited by Myriad Genetics, Inc.); PubMed 15366000 (cited by Labcorp Genetics (formerly Invitae), Labcorp); PubMed 16557584 (cited by Labcorp Genetics (formerly Invitae), Labcorp); PubMed 19032956 (cited by Labcorp Genetics (formerly Invitae), Labcorp); PubMed 19394335 (cited by Labcorp Genetics (formerly Invitae), Labcorp); PubMed 20618354 (cited by Labcorp Genetics (formerly Invitae), Labcorp).